The following is an entry in ClinVar:

NM_018706.7(DHTKD1):c.2095C>G (p.His699Asp)

Gene: DHTKD1 (dehydrogenase E1 and transketolase domain containing 1; plus strand). Cytogenetic location: 10p14.
Variant type: single nucleotide variant.
Coding change: c.2095C>G on transcript NM_018706.7 (MANE Select); coding-DNA position 2095, C replaced by G.
Protein change: p.His699Asp; replaces histidine 699 with aspartic acid.
Molecular consequence: missense variant.
Genome position (GRCh38, 1-based): chr10:12,107,956, C>G. VCF-style: chr10-12107956-C-G. GRCh37 (hg19) VCF-style: chr10-12149955-C-G.
Other names: short protein forms H699D.
Identifiers: ClinVar variation 2913800 (VCV002913800.3), dbSNP rs2491506795, ClinGen allele CA376012572.

ClinVar aggregate classification (germline): Uncertain significance (1 of 4 stars; one submission).

Conditions:
2-aminoadipic 2-oxoadipic aciduria (AAKAD). Also called: ALPHA-AMINOADIPIC AND ALPHA-KETOADIPIC ACIDURIA; Aminoadipic aciduria. Identifiers: Orphanet 79154, MedGen C1859817, MONDO:0008774, OMIM 204750.

gnomAD v4.1: 5 of 1,614,102 alleles (0.00031%); highest among the groups gnomAD compares: Non-Finnish European, 0.00042%; no homozygotes.

Submission:

Labcorp Genetics (formerly Invitae), Labcorp
Classification: Uncertain significance for 2-aminoadipic 2-oxoadipic aciduria. Last evaluated: 2022-11-29. Review status: criteria provided, single submitter. Criteria: Invitae Variant Classification Sherloc (09022015). Collection method: clinical testing. Allele origin: germline.
Comment: In summary, the available evidence is currently insufficient to determine the role of this variant in disease. Therefore, it has been classified as a Variant of Uncertain Significance. Advanced modeling of protein sequence and biophysical properties (such as structural, functional, and spatial information, amino acid conservation, physicochemical variation, residue mobility, and thermodynamic stability) performed at Invitae indicates that this missense variant is expected to disrupt DHTKD1 protein function. This variant has not been reported in the literature in individuals affected with DHTKD1-related conditions. This variant is not present in population databases (gnomAD no frequency). This sequence change replaces histidine, which is basic and polar, with aspartic acid, which is acidic and polar, at codon 699 of the DHTKD1 protein (p.His699Asp).